The following is an entry in ClinVar:

ClinVar aggregate classification (germline): Likely benign (1 of 4 stars; one submission).

Allele frequency attached by ClinVar (database versions not stated): gnomAD exomes 0.00052; ESP Exome Variant Server 0.00438; gnomAD 0.00551 and 0.00598; TOPMed 0.00620; 1000 Genomes Project 30x 0.00640; 1000 Genomes Project 0.00679.
gnomAD v4.1: 1,602 of 1,585,566 alleles (0.1%); highest among the groups gnomAD compares: African/African-American, 2%; 16 homozygotes.

Submission:

GeneDx
Classification: Likely benign. Last evaluated: 2018-06-16. Review status: criteria provided, single submitter. Criteria: GeneDx Variant Classification (06012015). Collection method: clinical testing. Allele origin: germline. Affected: yes.
Comment: This variant is considered likely benign or benign based on one or more of the following criteria: it is a conservative change, it occurs at a poorly conserved position in the protein, it is predicted to be benign by multiple in silico algorithms, and/or has population frequency not consistent with disease.

NM_001232.4(CASQ2):c.783+59T>G

Gene: CASQ2 (calsequestrin 2; minus strand). Cytogenetic location: 1p13.1.
Variant type: single nucleotide variant.
Coding change: c.783+59T>G on transcript NM_001232.4 (MANE Select); 59 bases into the intron after coding-DNA position 783, T replaced by G.
Molecular consequence: intron variant.
Genome position (GRCh38, 1-based): chr1:115,725,449, A>C on the plus strand (T>G on the coding strand, the complement: CASQ2 is on the minus strand). VCF-style: chr1-115725449-A-C. GRCh37 (hg19) VCF-style: chr1-116268070-A-C.
Identifiers: ClinVar variation 679057 (VCV000679057.1), dbSNP rs114869970, ClinGen allele CA29634582.